The following is an entry in ClinVar:

ClinVar aggregate classification (germline): Pathogenic (1 of 4 stars; one submission).

Conditions:
Deficiency of acetyl-CoA acetyltransferase. Also called: Beta-ketothiolase deficiency; MITOCHONDRIAL ACETOACETYL-CoA THIOLASE DEFICIENCY; 3-KETOTHIOLASE DEFICIENCY; 3-OXOTHIOLASE DEFICIENCY. Identifiers: Orphanet 134, MedGen C1536500, MONDO:0008760, OMIM 203750. Disease mechanism: loss of function.

Submission:

Labcorp Genetics (formerly Invitae), Labcorp
Classification: Pathogenic for Deficiency of acetyl-CoA acetyltransferase. Last evaluated: 2021-12-24. Review status: criteria provided, single submitter. Criteria: Invitae Variant Classification Sherloc (09022015). Collection method: clinical testing. Allele origin: germline.
Comment: For these reasons, this variant has been classified as Pathogenic. This variant disrupts a region of the ACAT1 protein in which other variant(s) (p.Ala410Val) have been determined to be pathogenic (PMID: 28220263). This suggests that this is a clinically significant region of the protein, and that variants that disrupt it are likely to be disease-causing. This variant has not been reported in the literature in individuals affected with ACAT1-related conditions. This variant is a gross deletion of the genomic region encompassing exon(s) 6-12 of the ACAT1 gene, which includes the termination codon. This deletion extends beyond the assayed region for this gene and therefore may encompass additional genes. While this deletion is not anticipated to lead to nonsense mediated decay, it is expected to alter mRNA translation or result in a truncated protein product.

Literature cited by the submitters: PubMed 28220263.

NC_000011.9:g.(?_108009615)_(108018127_?)del

Gene: ACAT1 (acetyl-CoA acetyltransferase 1; plus strand). Cytogenetic location: 11q22.3.
Variant type: Deletion.
Identifiers: ClinVar variation 2422142 (VCV002422142.4).